The following is an entry in ClinVar:

NM_007118.4(TRIO):c.5431G>A (p.Asp1811Asn)

Gene: TRIO (trio Rho guanine nucleotide exchange factor; plus strand). Cytogenetic location: 5p15.2.
Variant type: single nucleotide variant.
Coding change: c.5431G>A on transcript NM_007118.4 (MANE Select); coding-DNA position 5431, G replaced by A.
Protein change: p.Asp1811Asn; replaces aspartic acid 1811 with asparagine.
Molecular consequence: missense variant. On other transcripts: non-coding transcript variant (1).
Genome position (GRCh38, 1-based): chr5:14,461,246, G>A. VCF-style: chr5-14461246-G-A. GRCh37 (hg19) VCF-style: chr5-14461355-G-A.
Other names: short protein forms D1811N.
Identifiers: ClinVar variation 3902980 (VCV003902980.1).

ClinVar aggregate classification (germline): Uncertain significance (1 of 4 stars; one submission).

Submission:

GeneDx
Classification: Uncertain significance. Last evaluated: 2024-12-12. Review status: criteria provided, single submitter. Criteria: GeneDx Variant Classification Process June 2021. Collection method: clinical testing. Allele origin: germline. Affected: yes.
Comment: Not observed at significant frequency in large population cohorts (gnomAD); In silico analysis supports that this missense variant has a deleterious effect on protein structure/function; Has not been previously published as pathogenic or benign to our knowledge